The following is an entry in ClinVar:

NM_002469.3(MYF6):c.269C>A (p.Ala90Asp)

Gene: MYF6 (myogenic factor 6; plus strand). Cytogenetic location: 12q21.31.
Variant type: single nucleotide variant.
Coding change: c.269C>A on transcript NM_002469.3 (MANE Select); coding-DNA position 269, C replaced by A.
Protein change: p.Ala90Asp; replaces alanine 90 with aspartic acid.
Molecular consequence: missense variant.
Genome position (GRCh38, 1-based): chr12:80,707,988, C>A. VCF-style: chr12-80707988-C-A. GRCh37 (hg19) VCF-style: chr12-81101767-C-A.
Other names: short protein forms A90D.
Identifiers: ClinVar variation 472752 (VCV000472752.15), dbSNP rs138296448, ClinGen allele CA6703052.
Genomic context (GRCh38, chr12:80,707,988, plus strand): 5'-CTCCACACTGCCCCGGCCAGTGTCTGATCTGGGCTTGCAAGACCTGCAAGAGAAAATCTG[C>A]CCCCACTGACCGGCGAAAAGCCGCCACCCTGCGCGAAAGGAGGAGGCTAAAGAAAATCAA-3'
Protein context (NP_002460.1, residues 80-100): WACKTCKRKS[Ala90Asp]PTDRRKAATL

ClinVar aggregate classification (germline): Benign/Likely benign. Review status: criteria provided, multiple submitters, no conflicts (2 of 4 stars). 4 submissions from 4 submitters: Benign (1); Likely benign (3). Last evaluated 2025-11-17.

Conditions:
MYF6-related disorder. Also called: MYF6-related condition.
Autosomal dominant centronuclear myopathy. Also called: MYOTUBULAR MYOPATHY, AUTOSOMAL DOMINANT; Myopathy, centronuclear, 3. Identifiers: Orphanet 169189, MedGen C4551952, MeSH D020914, MONDO:0008048, OMIM 160150.

Allele frequency attached by ClinVar (database versions not stated): 1000 Genomes Project 30x 0.00031; 1000 Genomes Project 0.00040; ExAC 0.00076; gnomAD 0.00077; gnomAD exomes 0.00087; TOPMed 0.00088; ESP Exome Variant Server 0.00154.

Submissions (4):

PreventionGenetics, part of Exact Sciences
Classification: Likely benign for MYF6-related condition. Last evaluated: 2025-11-17. Review status: criteria provided, single submitter. Criteria: ACMG Guidelines, 2015. Collection method: clinical testing. Allele origin: germline.
Comment: This variant is classified as likely benign based on ACMG/AMP sequence variant interpretation guidelines (Richards et al. 2015 PMID: 25741868, with internal and published modifications).

Blueprint Genetics
Classification: Likely benign. Last evaluated: 2024-11-27. Review status: criteria provided, single submitter. Criteria: ACMG Guidelines, 2015. Collection method: clinical testing. Allele origin: germline.

Labcorp Genetics (formerly Invitae), Labcorp
Classification: Likely benign for Autosomal dominant centronuclear myopathy. Last evaluated: 2023-11-27. Review status: criteria provided, single submitter. Criteria: Invitae Variant Classification Sherloc (09022015). Collection method: clinical testing. Allele origin: germline.

Mendelics
Classification: Benign for Autosomal dominant centronuclear myopathy. Last evaluated: 2019-05-28. Review status: criteria provided, single submitter. Criteria: Mendelics Assertion Criteria 2017. Collection method: clinical testing. Allele origin: unknown.